The following is an entry in ClinVar:

NM_002180.3(IGHMBP2):c.1049C>G (p.Ala350Gly)

Gene: IGHMBP2 (immunoglobulin mu DNA binding protein 2; plus strand). Cytogenetic location: 11q13.3.
Variant type: single nucleotide variant.
Coding change: c.1049C>G on transcript NM_002180.3 (MANE Select); coding-DNA position 1049, C replaced by G.
Protein change: p.Ala350Gly; replaces alanine 350 with glycine.
Molecular consequence: missense variant.
Genome position (GRCh38, 1-based): chr11:68,917,872, C>G. VCF-style: chr11-68917872-C-G. GRCh37 (hg19) VCF-style: chr11-68685340-C-G.
Other names: short protein forms A350G.
Identifiers: ClinVar variation 4686428 (VCV004686428.1).
Genomic context (GRCh38, chr11:68,917,872, plus strand): 5'-TGAAGGAGAGGGAAGAAGCAGCTATGCTCGAGAGCCTCACTTCGGCAAACGTGGTCCTTG[C>G]AACAAACACAGGTGAGGGGGCGTCTCCATCCTGCCTGTGTGGCCTCGAAGAAGGAGTTGG-3'
Protein context (NP_002171.2, residues 340-360): ESLTSANVVL[Ala350Gly]TNTGASADGP

ClinVar aggregate classification (germline): Uncertain significance (1 of 4 stars; one submission).

gnomAD v4.1: 2 of 1,614,042 alleles (0.00012%); highest among the groups gnomAD compares: Non-Finnish European, 0.00017%; no homozygotes.

Submission:

GeneDx
Classification: Uncertain significance. Last evaluated: 2025-07-18. Review status: criteria provided, single submitter. Criteria: GeneDx Variant Classification Process June 2021. Collection method: clinical testing. Allele origin: germline. Affected: yes.
Comment: Not observed at significant frequency in large population cohorts (gnomAD); In silico analysis supports that this missense variant has a deleterious effect on protein structure/function; Has not been previously published as pathogenic or benign to our knowledge; This variant is associated with the following publications: (PMID: 24388491, 25439726, 22965130)